The following is an entry in ClinVar:

ClinVar aggregate classification (germline): Uncertain significance (1 of 4 stars; one submission).

Submission:

GeneDx
Classification: Uncertain significance. Last evaluated: 2018-09-17. Review status: criteria provided, single submitter. Criteria: GeneDx Variant Classification (06012015). Collection method: clinical testing. Allele origin: germline. Affected: yes.
Comment: The H263R variant in the SPTLC2 gene has not been reported previously as a pathogenic variant, nor as a benign variant, to our knowledge. The H263R variant is not observed in large population cohorts (Lek et al., 2016). The H263R variant is a conservative amino acid substitution, which is not likely to impact secondary protein structure as these residues share similar properties. However, in-silico analyses, including protein predictors and evolutionary conservation, support a deleterious effect. We interpret H263R as a variant of uncertain significance.

NM_004863.4(SPTLC2):c.788A>G (p.His263Arg)

Gene: SPTLC2 (serine palmitoyltransferase long chain base subunit 2; minus strand). Cytogenetic location: 14q24.3.
Variant type: single nucleotide variant.
Coding change: c.788A>G on transcript NM_004863.4 (MANE Select); coding-DNA position 788, A replaced by G.
Protein change: p.His263Arg; replaces histidine 263 with arginine.
Molecular consequence: missense variant.
Genome position (GRCh38, 1-based): chr14:77,562,458, T>C on the plus strand (A>G on the coding strand, the complement: SPTLC2 is on the minus strand). VCF-style: chr14-77562458-T-C. GRCh37 (hg19) VCF-style: chr14-78028801-T-C.
Other names: short protein forms H263R.
Identifiers: ClinVar variation 804306 (VCV000804306.1), dbSNP rs1594991229, ClinGen allele CA390710677.